The following is an entry in ClinVar:

NM_007294.4(BRCA1):c.4416T>C (p.Leu1472=)

Gene: BRCA1 (BRCA1 DNA repair associated; minus strand). Cytogenetic location: 17q21.31.
Variant type: single nucleotide variant.
Coding change: c.4416T>C on transcript NM_007294.4 (MANE Select); coding-DNA position 4416, T replaced by C.
Protein change: p.Leu1472=; no amino-acid change (leucine 1472 retained).
Molecular consequence: synonymous variant. On other transcripts: intron variant (3).
Genome position (GRCh38, 1-based): chr17:43,076,556, A>G on the plus strand (T>C on the coding strand, the complement: BRCA1 is on the minus strand). VCF-style: chr17-43076556-A-G. GRCh37 (hg19) VCF-style: chr17-41228573-A-G.
Other names: c.4203T>C, p.Leu1401= (NM_001407571.1, NM_001407894.1, NM_001407895.1 and 12 more transcripts); c.4482T>C, p.Leu1494= (NM_001407581.1, NM_001407582.1); c.4479T>C, p.Leu1493= (NM_001407583.1, NM_001407585.1, NM_001407587.1 and 1 more transcripts); c.4476T>C, p.Leu1492= (NM_001407590.1, NM_001407591.1); c.4416T>C, p.Leu1472= (NM_001407593.1, NM_001407594.1, NM_001407596.1 and 8 more transcripts); c.4413T>C, p.Leu1471= (NM_001407610.1, NM_001407611.1, NM_001407612.1 and 17 more transcripts); c.4410T>C, p.Leu1470= (NM_001407627.1, NM_001407628.1, NM_001407629.1 and 14 more transcripts); c.4407T>C, p.Leu1469= (NM_001407644.1, NM_001407645.1); and 71 more.
Identifiers: ClinVar variation 427342 (VCV000427342.4), dbSNP rs780239567, ClinGen allele CA060246.
Genomic context (GRCh38, chr17:43,076,556, plus strand): 5'-TCCTGGTTCTTTATTTTTACTGGTAGAACTATCTGCAGACACCTCAAACTTGTCAGCAGA[A>G]AGGCCTTCTGGATTCTGGCTTATAGGGTATTCACTACTTTTCTGTGAAGTTAATACTGCT-3'
Protein context (NP_009225.1, residues 1462-1482): EYPISQNPEG[Leu1472=]SADKFEVSAD

ClinVar aggregate classification (germline): Likely benign (3 of 4 stars; one submission).

Conditions:
Breast-ovarian cancer, familial, susceptibility to, 1 (BROVCA1). Also called: BRCA1 Hereditary Breast and Ovarian Cancer; OVARIAN CANCER, SUSCEPTIBILITY TO. Identifiers: Orphanet 145, MedGen C2676676, MONDO:0011450, OMIM 604370. Disease mechanism: loss of function.

Allele frequency attached by ClinVar (database versions not stated): gnomAD exomes below 0.00001; ExAC 0.00001.
gnomAD v4.1: 1 of 1,613,630 alleles (0.000062%); highest among the groups gnomAD compares: South Asian, 0.0011%; no homozygotes.

Submission:

Evidence-based Network for the Interpretation of Germline Mutant Alleles (ENIGMA)
Classification: Likely benign for Breast-ovarian cancer, familial, susceptibility to, 1. Last evaluated: 2017-06-29. Review status: reviewed by expert panel. Criteria: ENIGMA BRCA1/2 Classification Criteria (2017-06-29). Collection method: curation. Allele origin: germline.
Comment: Synonymous substitution variant, with low bioinformatic likelihood to result in a splicing aberration (Splicing prior probability 0.02).